The following is an entry in ClinVar:

NM_004628.5(XPC):c.692_693insA (p.Ile232fs)

Gene: XPC (XPC complex subunit, DNA damage recognition and repair factor; minus strand). Cytogenetic location: 3p25.1.
Variant type: Insertion.
Coding change: c.692_693insA on transcript NM_004628.5 (MANE Select); coding-DNA positions 692 to 693, A inserted.
Protein change: p.Ile232fs; shifts the reading frame from isoleucine 232.
Molecular consequence: frameshift variant. On other transcripts: non-coding transcript variant (2).
Genome position: GRCh38 VCF-style: chr3-14165514-A-AT. GRCh37 (hg19) VCF-style: chr3-14207014-A-AT.
Other names: c.113_114insA, p.Ile39fs (NM_001354726.2); c.692_693insA, p.Ile232fs (NM_001354727.2, NM_001354730.2); c.674_675insA, p.Ile226fs (NM_001354729.2); short protein forms I226fs, I232fs, I39fs.
Identifiers: ClinVar variation 3774313 (VCV003774313.1).

ClinVar aggregate classification (germline): Likely pathogenic (1 of 4 stars; one submission).

Conditions:
Xeroderma pigmentosum (XP). Identifiers: Orphanet 910, MedGen C0043346, MONDO:0019600.

Submission:

Clinical Genetics Laboratory, Skane University Hospital Lund
Classification: Likely pathogenic for Xeroderma pigmentosum. Last evaluated: 2025-01-20. Review status: criteria provided, single submitter. Criteria: ACMG Guidelines, 2015. Collection method: clinical testing. Allele origin: germline. Affected: yes.
Comment: ACMG criteria used: PVS1, PM2